The following is an entry in ClinVar:

ClinVar aggregate classification (germline): Uncertain significance (1 of 4 stars; one submission).

Submission:

GeneDx
Classification: Uncertain significance. Last evaluated: 2023-05-12. Review status: criteria provided, single submitter. Criteria: GeneDx Variant Classification Process June 2021. Collection method: clinical testing. Allele origin: germline. Affected: yes.
Comment: Not observed at significant frequency in large population cohorts (gnomAD); In-frame deletion of 1 amino acid in a non-repeat region; In silico analysis supports a deleterious effect on protein structure/function; Has not been previously published as pathogenic or benign to our knowledge; In silico analysis is inconclusive as to whether the variant alters gene splicing. In the absence of RNA/functional studies, the actual effect of this sequence change is unknown

NM_006514.4(SCN10A):c.4300_4302del (p.Phe1434del)

Gene: SCN10A (sodium voltage-gated channel alpha subunit 10; minus strand). Cytogenetic location: 3p22.2.
Variant type: Deletion.
Coding change: c.4300_4302del on transcript NM_006514.4 (MANE Select); coding-DNA positions 4300 to 4302, 3 bases deleted (TTC; older notation c.4300_4302delTTC).
Protein change: p.Phe1434del; deletes phenylalanine 1434.
Molecular consequence: inframe deletion.
Genome position (GRCh38, 1-based): chr3:38,707,363-38,707,365, GAA deleted on the plus strand (TTC on the coding strand, the reverse complement: SCN10A is on the minus strand); deleting any 3 consecutive bases within chr3:38,707,363-38,707,367 gives the same sequence; the c. name uses the placement nearest the transcript's 3' end. VCF-style (leftmost placement, unchanged base first): chr3-38707362-TGAA-T. GRCh37 (hg19) VCF-style: chr3-38748853-TGAA-T.
Other names: c.4297_4299del, p.Phe1433del (NM_001293306.2); c.4006_4008del, p.Phe1336del (NM_001293307.2); short protein forms F1336del, F1433del, F1434del.
Identifiers: ClinVar variation 2662312 (VCV002662312.1), dbSNP rs2470583021, ClinGen allele CA2695197891.